The following continues an entry in ClinVar:

NM_000059.4(BRCA2):c.231T>G (p.Thr77=)

Gene: BRCA2. ClinVar aggregate classification (germline): Benign. Benign (1).

Submissions 22 to 27 of 27:

University of Science and Technology Houari Boumediene, Laboratory of Molecular and Cellular Biology (LBCM)
Classification: Benign for Breast-ovarian cancer, familial, susceptibility to, 2. Review status: criteria provided, single submitter. Criteria: ACMG Guidelines, 2015. Collection method: clinical testing. Allele origin: germline. Affected: yes. Observed: 1 heterozygote. Not counted in ClinVar's aggregate classification.

Mayo Clinic Laboratories, Mayo Clinic
Classification: Likely benign. Last evaluated: 2017-08-02. Review status: no assertion criteria provided. Collection method: clinical testing. Allele origin: unknown. Not counted in ClinVar's aggregate classification.

Counsyl
Classification: Likely benign for Breast-ovarian cancer, familial 2. Last evaluated: 2014-03-14. Review status: no assertion criteria provided. Collection method: literature only. Allele origin: unknown. Inheritance: Autosomal dominant inheritance. Not counted in ClinVar's aggregate classification.

Clinical Genetics DNA and cytogenetics Diagnostics Lab, Erasmus MC, Erasmus Medical Center
Classification: Likely benign. Review status: no assertion criteria provided. Collection method: clinical testing. Allele origin: germline. Affected: yes. Study: VKGL Data-share Consensus. Not counted in ClinVar's aggregate classification.

Clinical Genetics Laboratory, Department of Pathology, Netherlands Cancer Institute
Classification: Benign. Review status: no assertion criteria provided. Collection method: clinical testing. Allele origin: germline. Affected: yes. Study: VKGL Data-share Consensus. Not counted in ClinVar's aggregate classification.

Department of Pathology and Laboratory Medicine, Sinai Health System
Classification: Benign for Malignant tumor of breast. Review status: no assertion criteria provided. Collection method: clinical testing. Allele origin: unknown. Affected: yes. Study: The Canadian Open Genetics Repository (COGR). Not counted in ClinVar's aggregate classification.
Comment: The p.Thr77Thr variant has been identified in 22 out of 1134 proband chromosomes (frequency 0.019) in individuals with breast and ovarian cancer phenotype, and was not identified in 300 control chromosomes (Cherbal 2010, Hadjisawas 2004, Hadjisawas 2003, Fackenthal 2011, Baumbach-abstract). However, it is listed in dbSNP database (ID#: rs114446594) with an average heterozygosity of 0.005+/-0.051, therefore increasing the likelihood of this variant to be benign. This variant is not expected to have clinical significance because it does not alter an amino acid residue, and is not located near a splice junction. In the UMD database, this variant has been identified in 3 (out of 10) individuals with breast or ovarian cancers, where a second pathogenic BRCA1 or BRCA2 mutation was also detected, suggesting that this is a benign variant. In a recent study, partial exon 3 skipping was suggested to be associated with this variant, however this information is not very predictive of pathogenicity (Thery 2011). In summary, based on above information we would lean towards a more benign role for this variant, therefore this variant is classified as Benign.

Literature cited by the submitters: DOI 10.3389/fgene.2022.834265 (cited by National Health Laboratory Service, Universitas Academic Hospital and University of the Free State); PubMed 12552570 (cited by Eurofins Ntd Llc (ga) and Counsyl); PubMed 20683152 (cited by 3 submitters); PubMed 22684231 (cited by University of Science and Technology Houari Boumediene, Laboratory of Molecular and Cellular Biology (LBCM)); PubMed 22505045 (cited by Counsyl); PubMed 21673748 (cited by Counsyl).